The following is an entry in ClinVar:

ClinVar aggregate classification (germline): Uncertain significance (1 of 4 stars; one submission).

Submission:

Ambry Genetics
Classification: Uncertain significance. Last evaluated: 2025-04-12. Review status: criteria provided, single submitter. Criteria: Ambry Variant Classification Scheme 2023. Collection method: clinical testing. Allele origin: germline.
Comment: The p.L14P variant (also known as c.41T>C), located in coding exon 1 of the MC1R gene, results from a T to C substitution at nucleotide position 41. The leucine at codon 14 is replaced by proline, an amino acid with similar properties. This amino acid position is conserved. In addition, this alteration is predicted to be tolerated by in silico analysis. Based on the available evidence, the clinical significance of this variant remains unclear.

NM_002386.4(MC1R):c.41T>C (p.Leu14Pro)

Gene: MC1R (melanocortin 1 receptor; plus strand). Cytogenetic location: 16q24.3.
Variant type: single nucleotide variant.
Coding change: c.41T>C on transcript NM_002386.4 (MANE Select); coding-DNA position 41, T replaced by C.
Protein change: p.Leu14Pro; replaces leucine 14 with proline.
Molecular consequence: missense variant.
Genome position (GRCh38, 1-based): chr16:89,919,299, T>C. VCF-style: chr16-89919299-T-C. GRCh37 (hg19) VCF-style: chr16-89985707-T-C.
Other names: short protein forms L14P.
Identifiers: ClinVar variation 4052416 (VCV004052416.1).
Genomic context (GRCh38, chr16:89,919,299, plus strand): 5'-CCTGCTTCCTGGACAGGACTATGGCTGTGCAGGGATCCCAGAGAAGACTTCTGGGCTCCC[T>C]CAACTCCACCCCCACAGCCATCCCCCAGCTGGGGCTGGCTGCCAACCAGACAGGAGCCCG-3'
Protein context (NP_002377.4, residues 4-24): QGSQRRLLGS[Leu14Pro]NSTPTAIPQL